The following is an entry in ClinVar:

ClinVar aggregate classification (germline): Uncertain significance (1 of 4 stars; one submission).

Allele frequency attached by ClinVar (database versions not stated): gnomAD exomes below 0.00001.
gnomAD v4.1: 4 of 1,613,916 alleles (0.00025%); highest among the groups gnomAD compares: Middle Eastern, 0.017%; no homozygotes.

Submission:

Labcorp Genetics (formerly Invitae), Labcorp
Classification: Uncertain significance. Last evaluated: 2021-08-27. Review status: criteria provided, single submitter. Criteria: Invitae Variant Classification Sherloc (09022015). Collection method: clinical testing. Allele origin: germline.
Comment: This sequence change replaces proline with leucine at codon 1960 of the USH2A protein (p.Pro1960Leu). The proline residue is highly conserved and there is a moderate physicochemical difference between proline and leucine. This variant is not present in population databases (ExAC no frequency). This variant has not been reported in the literature in individuals affected with USH2A-related conditions. Algorithms developed to predict the effect of missense changes on protein structure and function are either unavailable or do not agree on the potential impact of this missense change (SIFT: "Deleterious"; PolyPhen-2: "Probably Damaging"; Align-GVGD: "Class C0"). In summary, the available evidence is currently insufficient to determine the role of this variant in disease. Therefore, it has been classified as a Variant of Uncertain Significance.

NM_206933.4(USH2A):c.5879C>T (p.Pro1960Leu)

Gene: USH2A (usherin; minus strand). Cytogenetic location: 1q41.
Variant type: single nucleotide variant.
Coding change: c.5879C>T on transcript NM_206933.4 (MANE Select); coding-DNA position 5879, C replaced by T.
Protein change: p.Pro1960Leu; replaces proline 1960 with leucine.
Molecular consequence: missense variant.
Genome position (GRCh38, 1-based): chr1:216,070,271, G>A on the plus strand (C>T on the coding strand, the complement: USH2A is on the minus strand). VCF-style: chr1-216070271-G-A. GRCh37 (hg19) VCF-style: chr1-216243613-G-A.
Other names: short protein forms P1960L.
Identifiers: ClinVar variation 1464427 (VCV001464427.5), dbSNP rs993560288, ClinGen allele CA37476439.